The following is an entry in ClinVar:

NM_005269.3(GLI1):c.267G>A (p.Ser89=)

Gene: GLI1 (GLI family zinc finger 1; plus strand). Cytogenetic location: 12q13.3.
Variant type: single nucleotide variant.
Coding change: c.267G>A on transcript NM_005269.3 (MANE Select); coding-DNA position 267, G replaced by A.
Protein change: p.Ser89=; no amino-acid change (serine 89 retained).
Molecular consequence: synonymous variant. On other transcripts: 5 prime UTR variant (1).
Genome position (GRCh38, 1-based): chr12:57,464,746, G>A. VCF-style: chr12-57464746-G-A. GRCh37 (hg19) VCF-style: chr12-57858529-G-A.
Other names: c.-118G>A (NM_001160045.2); c.144G>A, p.Ser48= (NM_001167609.2).
Identifiers: ClinVar variation 3058711 (VCV003058711.2), dbSNP rs139988338, ClinGen allele CA6648414.

ClinVar aggregate classification (germline): Likely benign (0 of 4 stars; one submission).

Conditions:
GLI1-related disorder. Also called: GLI1-related condition.

Allele frequency attached by ClinVar (database versions not stated): gnomAD exomes 0.00004; TOPMed 0.00005; gnomAD 0.00007; ExAC 0.00008; ESP Exome Variant Server 0.00008; 1000 Genomes Project 30x 0.00016; 1000 Genomes Project 0.00020.
gnomAD v4.1: 75 of 1,613,842 alleles (0.0046%); highest among the groups gnomAD compares: Admixed American, 0.038%; no homozygotes.

Submission:

PreventionGenetics, part of Exact Sciences
Classification: Likely benign for GLI1-related condition. Last evaluated: 2019-03-11. Review status: no assertion criteria provided. Collection method: clinical testing. Allele origin: germline.
Comment: This variant is classified as likely benign based on ACMG/AMP sequence variant interpretation guidelines (Richards et al. 2015 PMID: 25741868, with internal and published modifications).